The following is an entry in ClinVar:

ClinVar aggregate classification (germline): Likely pathogenic (3 of 4 stars; one submission).

Conditions:
Monogenic diabetes. Identifiers: Orphanet 183625, MedGen C3888631, MONDO:0015967.

Submission:

ClinGen Monogenic Diabetes Variant Curation Expert Panel
Classification: Likely pathogenic for Monogenic diabetes. Last evaluated: 2022-04-17. Review status: reviewed by expert panel. Criteria: ClinGen Diabetes ACMG Specifications v1 1. Collection method: curation. Allele origin: germline. Inheritance: Autosomal dominant inheritance.
Comment: The c.1720_1733del variant in the HNF1 homeobox A gene, HNF1A, causes a frameshift in the protein at codon 578 (NM_000545.8), adding 82 novel amino acids before encountering a stop codon (p.(Leu578ArgfsTer82)). While this variant, located in exon 9 of 10, is predicted to cause a premature stop codon in a position that escapes nonsense mediated decay, it results in the loss of a functionally important region of a gene where loss-of-function is an established disease mechanism (PVS1; PMID: 23348805). Additionally, this variant is absent from gnomAD v2.1.1 (PM2_Supporting). In summary, c.1733del meets the criteria to be classified as likely pathogenic for monogenic diabetes. ACMG/AMP criteria applied, as specified by the ClinGen MDEP (specification version 1.1, approved 9/30/21): PVS1, PM2_Supporting.

NM_000545.8(HNF1A):c.1720_1733delinsGGCATCCAGCACC (p.Ser574fs)

Gene: HNF1A (HNF1 homeobox A; plus strand). Cytogenetic location: 12q24.31.
Variant type: Indel.
Coding change: c.1720_1733delinsGGCATCCAGCACC on transcript NM_000545.8 (MANE Select); coding-DNA positions 1720 to 1733, AGCATCCAGCACCT replaced by GGCATCCAGCACC.
Protein change: p.Ser574fs; shifts the reading frame from serine 574.
Molecular consequence: frameshift variant.
Genome position (GRCh38, 1-based): chr12:120,999,579-120,999,592, AGCATCCAGCACCT replaced by GGCATCCAGCACC. VCF-style: chr12-120999579-AGCATCCAGCACCT-GGCATCCAGCACC. GRCh37 (hg19) VCF-style: chr12-121437382-AGCATCCAGCACCT-GGCATCCAGCACC.
Other names: NM_000545.6(HNF1A):c.1720_1733delGGCATCCAGCACCTinsGGCATCCAGCACC; p.Leu578Argfs; c.1741_1754delinsGGCATCCAGCACC, p.Ser581fs (NM_001306179.2); short protein forms S574fs, S581fs.
Identifiers: ClinVar variation 1687089 (VCV001687089.3), dbSNP rs587778399, ClinGen allele CA160025.